The following is an entry in ClinVar:

ClinVar aggregate classification (germline): Conflicting classifications of pathogenicity. Review status: criteria provided, conflicting classifications (1 of 4 stars). 3 submissions from 3 submitters: Likely pathogenic (1); Uncertain significance (2). Last evaluated 2026-10-11.

Conditions:
Deficiency of butyryl-CoA dehydrogenase (ACADSD). Also called: SCAD DEFICIENCY, MILD; ACYL-CoA DEHYDROGENASE, SHORT-CHAIN, DEFICIENCY OF; SCADH DEFICIENCY; ACADS DEFICIENCY; Short-Chain Acyl-CoA Dehydrogenase Deficiency; SCAD Deficiency. Identifiers: Orphanet 26792, MedGen C0342783, MONDO:0008722, OMIM 201470. Disease mechanism: May be benign.

Allele frequency attached by ClinVar (database versions not stated): gnomAD 0.00003 and 0.00005; gnomAD exomes 0.00001; TOPMed 0.00008.
gnomAD v4.1: 16 of 1,612,326 alleles (0.00099%); highest among the groups gnomAD compares: Admixed American, 0.0017%; no homozygotes.

Submissions (3):

GeneDx
Classification: Uncertain significance. Last evaluated: 2026-10-11. Review status: criteria provided, single submitter. Criteria: GeneDx Variant Classification Process June 2021. Collection method: clinical testing. Allele origin: germline.
Comment: Has not been previously published as pathogenic or benign to our knowledge; In silico analysis supports that this missense variant has a deleterious effect on protein structure/function; Not observed at significant frequency in large population cohorts (gnomAD)

Dasa
Classification: Uncertain significance. Last evaluated: 2026-03-29. Review status: criteria provided, single submitter. Criteria: DASA Assertion Criteria. Collection method: clinical testing. Allele origin: germline.
Comment: NM_000017.4(ACADS):c.1196G>A (p.Arg399Gln) is a missense variant that results in the substitution of arginine with glutamine. This variant has been reported in individuals with ACADS-related disorders (PMID: 35095998). Also, this variant is rare in population databases. Computational prediction algorithms are consistent with a deleterious effect. The currently available literature and clinical evidence are not sufficient to establish a definitive association between this variant and the reported condition. Therefore, this variant is classified as a variant of uncertain significance.

Labcorp Genetics (formerly Invitae), Labcorp
Classification: Likely pathogenic for Deficiency of butyryl-CoA dehydrogenase. Last evaluated: 2025-03-23. Review status: criteria provided, single submitter. Criteria: Invitae Variant Classification Sherloc (09022015). Collection method: clinical testing. Allele origin: germline.
Comment: This sequence change replaces arginine, which is basic and polar, with glutamine, which is neutral and polar, at codon 399 of the ACADS protein (p.Arg399Gln). This variant is present in population databases (no rsID available, gnomAD 0.002%). This missense change has been observed in individual(s) with clinical features of short-chain acyl-coenzyme A dehydrogenase deficiency (internal data). In at least one individual the data is consistent with being in trans (on the opposite chromosome) from a pathogenic variant. ClinVar contains an entry for this variant (Variation ID: 1425642). Invitae Evidence Modeling of protein sequence and biophysical properties (such as structural, functional, and spatial information, amino acid conservation, physicochemical variation, residue mobility, and thermodynamic stability) has been performed for this missense variant. However, the output from this modeling did not meet the statistical confidence thresholds required to predict the impact of this variant on ACADS protein function. This variant disrupts the p.Arg399 amino acid residue in ACADS. Other variant(s) that disrupt this residue have been observed in individuals with ACADS-related conditions (PMID: 32710939), which suggests that this may be a clinically significant amino acid residue. In summary, the currently available evidence indicates that the variant is pathogenic, but additional data are needed to prove that conclusively. Therefore, this variant has been classified as Likely Pathogenic.

Literature cited by the submitters: PubMed 35095998 (cited by Dasa); PubMed 32710939 (cited by Labcorp Genetics (formerly Invitae), Labcorp).

NM_000017.4(ACADS):c.1196G>A (p.Arg399Gln)

Gene: ACADS (acyl-CoA dehydrogenase short chain; plus strand). Cytogenetic location: 12q24.31.
Variant type: single nucleotide variant.
Coding change: c.1196G>A on transcript NM_000017.4 (MANE Select); coding-DNA position 1196, G replaced by A.
Protein change: p.Arg399Gln; replaces arginine 399 with glutamine.
Molecular consequence: missense variant.
Genome position (GRCh38, 1-based): chr12:120,739,405, G>A. VCF-style: chr12-120739405-G-A. GRCh37 (hg19) VCF-style: chr12-121177208-G-A.
Other names: c.1184G>A, p.Arg395Gln (NM_001302554.2); c.1196G>A (NM_000017.2); short protein forms R395Q, R399Q.
Identifiers: ClinVar variation 1425642 (VCV001425642.10), dbSNP rs926187308, ClinGen allele CA244495583.